The following is an entry in ClinVar:

NM_000179.3(MSH6):c.1720T>A (p.Ser574Thr)

Gene: MSH6 (mutS homolog 6; plus strand). Cytogenetic location: 2p16.3.
Variant type: single nucleotide variant.
Coding change: c.1720T>A on transcript NM_000179.3 (MANE Select); coding-DNA position 1720, T replaced by A.
Protein change: p.Ser574Thr; replaces serine 574 with threonine.
Molecular consequence: missense variant.
Genome position (GRCh38, 1-based): chr2:47,799,703, T>A. VCF-style: chr2-47799703-T-A. GRCh37 (hg19) VCF-style: chr2-48026842-T-A.
Other names: c.1330T>A, p.Ser444Thr (NM_001281492.2); c.814T>A, p.Ser272Thr (NM_001281493.2, NM_001281494.2); short protein forms S574T, S444T, S272T.
Identifiers: ClinVar variation 428362 (VCV000428362.21), dbSNP rs769914244, ClinGen allele CA068072.

ClinVar aggregate classification (germline): Conflicting classifications of pathogenicity. Review status: criteria provided, conflicting classifications (1 of 4 stars). 5 submissions from 5 submitters: Uncertain significance (4); Likely benign (1). Last evaluated 2025-12-03.

Conditions:
Hereditary cancer-predisposing syndrome. Also called: Hereditary Cancer Syndrome; Neoplastic Syndromes, Hereditary; Hereditary neoplastic syndrome; Tumor predisposition. Identifiers: Orphanet 140162, MedGen C0027672, MeSH D009386, MONDO:0015356.
Hereditary nonpolyposis colorectal neoplasms. Identifiers: MedGen C0009405, MeSH D003123.
Endometrial carcinoma. Also called: Endometrial carcinoma, somatic. Identifiers: MedGen C0476089, MONDO:0002447, OMIM 608089, HP:0012114.

Allele frequency attached by ClinVar (database versions not stated): ExAC 0.00001; gnomAD 0.00001; gnomAD exomes 0.00001; TOPMed 0.00001.
gnomAD v4.1: 5 of 1,614,102 alleles (0.00031%); highest among the groups gnomAD compares: African/African-American, 0.0027%; no homozygotes.

Submissions (5):

Ambry Genetics
Classification: Uncertain significance for Hereditary cancer-predisposing syndrome. Last evaluated: 2025-12-03. Review status: criteria provided, single submitter. Criteria: Ambry Variant Classification Scheme 2023. Collection method: clinical testing. Allele origin: germline.
Comment: The p.S574T variant (also known as c.1720T>A), located in coding exon 4 of the MSH6 gene, results from a T to A substitution at nucleotide position 1720. The serine at codon 574 is replaced by threonine, an amino acid with similar properties. This amino acid position is not well conserved in available vertebrate species. In addition, this alteration is predicted to be tolerated by in silico analysis. Based on the available evidence, the clinical significance of this variant remains unclear.

Color Diagnostics, LLC DBA Color Health
Classification: Uncertain significance for Hereditary cancer-predisposing syndrome. Last evaluated: 2025-11-03. Review status: criteria provided, single submitter. Criteria: ACMG Guidelines, 2015. Collection method: clinical testing. Allele origin: germline.
Comment: This missense variant replaces serine with threonine at codon 574 of the MSH6 protein. Computational prediction suggests that this variant may not impact protein structure and function. To our knowledge, functional studies have not been reported for this variant. This variant has not been reported in individuals affected with MSH6-related disorders in the literature. This variant has been identified in 2/250238 chromosomes in the general population by the Genome Aggregation Database (gnomAD). The available evidence is insufficient to determine the role of this variant in disease conclusively. Therefore, this variant is classified as a Variant of Uncertain Significance.

Labcorp Genetics (formerly Invitae), Labcorp
Classification: Likely benign for Hereditary nonpolyposis colorectal neoplasms. Last evaluated: 2024-11-26. Review status: criteria provided, single submitter. Criteria: Invitae Variant Classification Sherloc (09022015). Collection method: clinical testing. Allele origin: germline.

Baylor Genetics
Classification: Uncertain significance for Endometrial carcinoma. Last evaluated: 2023-08-21. Review status: criteria provided, single submitter. Criteria: ACMG Guidelines, 2015. Collection method: clinical testing. Allele origin: unknown.

GeneDx
Classification: Uncertain significance. Last evaluated: 2023-01-11. Review status: criteria provided, single submitter. Criteria: GeneDx Variant Classification Process June 2021. Collection method: clinical testing. Allele origin: germline. Affected: yes.
Comment: Not observed at significant frequency in large population cohorts (gnomAD); In silico analysis supports that this missense variant does not alter protein structure/function; Has not been previously published as pathogenic or benign to our knowledge; This variant is associated with the following publications: (PMID: 17531815, 21120944)